The following is an entry in ClinVar:

NM_000426.4(LAMA2):c.7440-2A>G

Gene: LAMA2 (laminin subunit alpha 2; plus strand). Cytogenetic location: 6q22.33.
Variant type: single nucleotide variant.
Coding change: c.7440-2A>G on transcript NM_000426.4 (MANE Select); the canonical splice acceptor site of the intron before coding-DNA position 7440, A replaced by G.
Molecular consequence: splice acceptor variant. On other transcripts: intron variant (1).
Genome position (GRCh38, 1-based): chr6:129,475,388, A>G. VCF-style: chr6-129475388-A-G. GRCh37 (hg19) VCF-style: chr6-129796533-A-G.
Other names: c.7439+2036A>G (NM_001079823.2).
Identifiers: ClinVar variation 1068380 (VCV001068380.7), dbSNP rs1443920683, ClinGen allele CA365624976.

ClinVar aggregate classification (germline): Likely pathogenic (1 of 4 stars; one submission).

Conditions:
LAMA2-related muscular dystrophy (LAMA2-RD). Also called: Laminin alpha 2-related dystrophy. Identifiers: MedGen C5679788, MONDO:0100228.

Allele frequency attached by ClinVar (database versions not stated): gnomAD exomes below 0.00001; TOPMed below 0.00001; gnomAD 0.00001.
gnomAD v4.1: 2 of 1,535,980 alleles (0.00013%); highest among the groups gnomAD compares: Non-Finnish European, 0.00018%; no homozygotes.

Submission:

Labcorp Genetics (formerly Invitae), Labcorp
Classification: Likely pathogenic for LAMA2-related muscular dystrophy. Last evaluated: 2023-11-07. Review status: criteria provided, single submitter. Criteria: Invitae Variant Classification Sherloc (09022015). Collection method: clinical testing. Allele origin: germline.
Comment: This sequence change affects an acceptor splice site in intron 52 of the LAMA2 gene. It is expected to disrupt RNA splicing. Variants that disrupt the donor or acceptor splice site typically lead to a loss of protein function (PMID: 16199547), and loss-of-function variants in LAMA2 are known to be pathogenic (PMID: 18700894, 32904964). This variant is not present in population databases (gnomAD no frequency). This variant has not been reported in the literature in individuals affected with LAMA2-related conditions. ClinVar contains an entry for this variant (Variation ID: 1068380). Algorithms developed to predict the effect of sequence changes on RNA splicing suggest that this variant may disrupt the consensus splice site. In summary, the currently available evidence indicates that the variant is pathogenic, but additional data are needed to prove that conclusively. Therefore, this variant has been classified as Likely Pathogenic.

Literature cited by the submitters: PubMed 16199547; PubMed 18700894; PubMed 32904964.